The following is an entry in ClinVar:

NM_000551.4(VHL):c.610G>T (p.Glu204Ter)

Genes: VHL (von Hippel-Lindau tumor suppressor; plus strand), LOC107303340 (3p25 von Hippel-Lindau tumor suppressor, E3 ubiquitin protein ligase Alu-mediated recombination region; plus strand). Cytogenetic location: 3p25.3.
Variant type: single nucleotide variant.
Coding change: c.610G>T on transcript NM_000551.4 (MANE Select); coding-DNA position 610, G replaced by T.
Protein change: p.Glu204Ter; replaces glutamic acid 204 with a stop codon.
Molecular consequence: nonsense. On other transcripts: 3 prime UTR variant (1).
Genome position (GRCh38, 1-based): chr3:10,149,933, G>T. VCF-style: chr3-10149933-G-T. GRCh37 (hg19) VCF-style: chr3-10191617-G-T.
Other names: NM_000551.4(VHL):c.610G>T; p.Glu204Ter; c.*164G>T (NM_001354723.2); c.487G>T, p.Glu163Ter (NM_198156.3); short protein forms E204*, E163*.
Identifiers: ClinVar variation 526673 (VCV000526673.12), dbSNP rs758853661, ClinGen allele CA041909.

ClinVar aggregate classification (germline): Uncertain significance. Review status: reviewed by expert panel (3 of 4 stars). 3 submissions from 3 submitters: Uncertain significance (1). 2 of the submissions do not count toward it. Last evaluated 2024-06-25.

Conditions:
Hereditary cancer-predisposing syndrome. Also called: Neoplastic Syndromes, Hereditary; Tumor predisposition; Hereditary neoplastic syndrome; Hereditary Cancer Syndrome. Identifiers: Orphanet 140162, MedGen C0027672, MeSH D009386, MONDO:0015356.
Chuvash polycythemia. Also called: POLYCYTHEMIA, VHL-DEPENDENT. Identifiers: Orphanet 238557, MedGen C1837915, MONDO:0009892, OMIM 263400.
Von Hippel-Lindau syndrome (VHLS). Also called: von Hippel–Lindau syndrome; VHL syndrome; Von Hippel-Lindau. Identifiers: Orphanet 892, MedGen C0019562, MONDO:0008667, OMIM 193300. Disease mechanism: loss of function.

gnomAD v4.1: 2 of 1,614,142 alleles (0.00012%); highest among the groups gnomAD compares: Non-Finnish European, 0.00017%; no homozygotes.

Submissions (3):

ClinGen VHL Variant Curation Expert Panel, ClinGen
Classification: Uncertain significance for Von Hippel-Lindau syndrome. Last evaluated: 2024-06-25. Review status: reviewed by expert panel. Criteria: ClinGen VHL VCEP ACMG Specifications VHL V1. Collection method: curation. Allele origin: germline. Inheritance: Autosomal dominant inheritance.
Comment: The variant NM_000551.4(VHL):c.610G>T (p.Glu204Ter) is a truncating variant predicted to cause a premature stop codon in biologically-relevant-exon (the third exon). This is not predicted to lead to nonsense mediated decay, although in VHL a loss-of-function is an established disease mechanism. As the role of the region between amino acids (AA205 -213) is overall unknown, this receives PVS1_Moderate per the VHL VCEP PVS1 decision tree (PVS1_Moderate). The GroupMax Filtering Allele Frequency (95% CI) in gnomAD v4.1.0 is 0.00000028 (2/1112000 from European, Non-Finnish Population). PM2_Supporting can be applied for variants with <= 0.0000015 (0.00015%) frequency in gnomAD (PM2_Supporting). PS4 is not met, and BS2 is not met. There are no additional reports identified in the literature. In summary, this variant meets the criteria to be classified as Uncertain for autosomal-dominant von Hippel Lindau syndrome (VHL syndrome) based on the ACMG/AMP criteria applied, as specified by the ClinGen VHL VCEP Version 1.0 (Specifications approval date: 02/26/2024. Variant Approval Date 06/25/2024).

Ambry Genetics
Classification: Uncertain significance for Hereditary cancer-predisposing syndrome. Last evaluated: 2020-09-04. Review status: criteria provided, single submitter. Criteria: Ambry Variant Classification Scheme 2023. Collection method: clinical testing. Allele origin: germline. Not counted in ClinVar's aggregate classification.
Comment: The p.E204* variant (also known as c.610G>T), located in coding exon 3 of the VHL gene, results from a G to T substitution at nucleotide position 610. This changes the amino acid from a glutamic acid to a stop codon within coding exon 3. This alteration occurs at the 3' terminus of VHL gene, is not expected to trigger nonsense-mediated mRNAdecay, and only impacts the last 10 amino acids of the protein. The exact functional effect of this alteration is unknown. This allele was reported in one heterozygous individual in population-based cohorts in the Genome Aggregation Database (gnomAD). Since supporting evidence is limited at this time, the clinical significance of this alteration remains unclear.

Labcorp Genetics (formerly Invitae), Labcorp
Classification: Uncertain significance for Von Hippel-Lindau syndrome; Chuvash polycythemia. Last evaluated: 2019-12-19. Review status: criteria provided, single submitter. Criteria: Invitae Variant Classification Sherloc (09022015). Collection method: clinical testing. Allele origin: germline. Not counted in ClinVar's aggregate classification.
Comment: This variant is present in population databases (rs758853661, ExAC 0.009%). This sequence change results in a premature translational stop signal in the VHL gene (p.Glu204*). While this is not anticipated to result in nonsense mediated decay, it is expected to delete the last 10 amino acids of the VHL protein. This variant has not been reported in the literature in individuals with VHL-related disease. In summary, the available evidence is currently insufficient to determine the role of this variant in disease. Therefore, it has been classified as a Variant of Uncertain Significance. This variant is expected to delete a portion of the C-terminal region of the VHL protein near the β domain (a-helix) (PMID: 14691445, 14987375). Experimental studies are not available for this variant, and the functional significance of the deleted amino acids is currently unknown.

Literature cited by the submitters: PubMed 14691445 (cited by Labcorp Genetics (formerly Invitae), Labcorp); PubMed 14987375 (cited by Labcorp Genetics (formerly Invitae), Labcorp).